The following is an entry in ClinVar:

NM_001318510.2(ACSL4):c.1910G>T (p.Trp637Leu)

Gene: ACSL4 (acyl-CoA synthetase long chain family member 4; minus strand). Cytogenetic location: Xq23.
Variant type: single nucleotide variant.
Coding change: c.1910G>T on transcript NM_001318510.2 (MANE Select); coding-DNA position 1910, G replaced by T.
Protein change: p.Trp637Leu; replaces tryptophan 637 with leucine.
Molecular consequence: missense variant.
Genome position (GRCh38, 1-based): chrX:109,644,132, C>A on the plus strand (G>T on the coding strand, the complement: ACSL4 is on the minus strand). VCF-style: chrX-109644132-C-A. GRCh37 (hg19) VCF-style: chrX-108887361-C-A.
Other names: c.2033G>T, p.Trp678Leu (NM_001318509.2, NM_022977.3); c.1910G>T, p.Trp637Leu (NM_004458.3); short protein forms W637L, W678L.
Identifiers: ClinVar variation 2580002 (VCV002580002.1), dbSNP rs2520757846, ClinGen allele CA414215210.
Genomic context (GRCh38, chrX:109,644,132, plus strand): 5'-TTCCTCAGCTCCTTCCTTTTCAGTTTGAAAGCATCAGTTACCAAACCAGTTTCAGGGGTC[C>A]ATGGCTCTGGGCTTAATCGAACCTTGATTGGAATTTCAAATCGCTCCAATTTCACTGAAA-3'
Protein context (NP_001305439.1, residues 627-647): PIKVRLSPEP[Trp637Leu]TPETGLVTDA

ClinVar aggregate classification (germline): Uncertain significance (1 of 4 stars; one submission).

Submission:

GeneDx
Classification: Uncertain significance. Last evaluated: 2023-03-11. Review status: criteria provided, single submitter. Criteria: GeneDx Variant Classification Process June 2021. Collection method: clinical testing. Allele origin: germline. Affected: yes.
Comment: Not observed at significant frequency in large population cohorts (gnomAD); In silico analysis supports that this missense variant has a deleterious effect on protein structure/function; Has not been previously published as pathogenic or benign to our knowledge